The following is an entry in ClinVar:

NM_005633.4(SOS1):c.195A>C (p.Arg65=)

Gene: SOS1 (SOS Ras/Rac guanine nucleotide exchange factor 1; minus strand). Cytogenetic location: 2p22.1.
Variant type: single nucleotide variant.
Coding change: c.195A>C on transcript NM_005633.4 (MANE Select); coding-DNA position 195, A replaced by C.
Protein change: p.Arg65=; no amino-acid change (arginine 65 retained).
Molecular consequence: synonymous variant.
Genome position (GRCh38, 1-based): chr2:39,067,646, T>G on the plus strand (A>C on the coding strand, the complement: SOS1 is on the minus strand). VCF-style: chr2-39067646-T-G. GRCh37 (hg19) VCF-style: chr2-39294787-T-G.
Other names: p.R65R; NM_005633.3(SOS1):c.195A>C; c.174A>C, p.Arg58= (NM_001382394.1); c.195A>C, p.Arg65= (NM_001382395.1).
Identifiers: ClinVar variation 40643 (VCV000040643.46), dbSNP rs7609455, ClinGen allele CA136085.
Genomic context (GRCh38, chr2:39,067,646, plus strand): 5'-CAAATTAGATATAAAGTAAATACAAGACAACATTTGTCATACCTCTACATCTGAAGCACT[T>G]CGGGGCTGAGCTTGGCATAGCATATTTAATAATTGCAAAATTAATTCTTCAACATACTGA-3'
Protein context (NP_005624.2, residues 55-75): LLNMLCQAQP[Arg65=]SASDVEERVQ

ClinVar aggregate classification (germline): Benign. Review status: reviewed by expert panel (3 of 4 stars). 18 submissions from 17 submitters: Benign (1). 17 of the submissions do not count toward it. Last evaluated 2017-04-18.

Conditions:
Cardiovascular phenotype. Identifiers: MedGen CN230736.
Noonan syndrome and Noonan-related syndrome. Identifiers: Orphanet 98733, MedGen C5681679, MONDO:0020297.
RASopathy. Also called: rasopathies; Noonan spectrum disorder. Identifiers: Orphanet 536391, MedGen C5555857, MONDO:0021060.
Fibromatosis, gingival, 1 (GINGF1). Identifiers: Orphanet 2024, MedGen C4551558, MONDO:0007609, OMIM 135300.
Noonan syndrome 4 (NS4). Also called: NOONAN SYNDROME WITH PIGMENTED VILLONODULAR SYNOVITIS; SOS1-Related Noonan Syndrome. Identifiers: Orphanet 648, MedGen C1853120, MONDO:0012547, OMIM 610733.

Allele frequency attached by ClinVar (database versions not stated): gnomAD exomes 0.00509 and 0.01216; ExAC 0.01434; gnomAD 0.03624 and 0.03809; ESP Exome Variant Server 0.03975; TOPMed 0.04089; 1000 Genomes Project 0.04972; 1000 Genomes Project 30x 0.05184.
gnomAD v4.1: 13,266 of 1,613,400 alleles (0.82%); highest among the groups gnomAD compares: African/African-American, 12%; 628 homozygotes.

Submissions (18):

ClinGen RASopathy Variant Curation Expert Panel
Classification: Benign for Noonan syndrome and Noonan-related syndrome. Last evaluated: 2017-04-18. Review status: reviewed by expert panel. Criteria: ClinGen RASopathy ACMG Specifications v1. Collection method: curation. Allele origin: germline. Inheritance: Autosomal dominant inheritance.
Comment: The filtering allele frequency of the c.195A>C (p.Arg65=) variant in the SOS1 gene is 10.978% (1192/10346) of African chromosomes by the Exome Aggregation Consortium, which is a high enough frequency to be classified as benign based on thresholds defined by the ClinGen RASopathy Expert Panel (BA1; PMID:29493581)

Labcorp Genetics (formerly Invitae), Labcorp
Classification: Benign for RASopathy. Last evaluated: 2026-02-03. Review status: criteria provided, single submitter. Criteria: Invitae Variant Classification Sherloc (09022015). Collection method: clinical testing. Allele origin: germline. Not counted in ClinVar's aggregate classification.

ARUP Laboratories, Molecular Genetics and Genomics, ARUP Laboratories
Classification: Benign. Last evaluated: 2025-05-14. Review status: criteria provided, single submitter. Criteria: ARUP Molecular Germline Variant Investigation Process 2024. Collection method: clinical testing. Allele origin: germline. Not counted in ClinVar's aggregate classification.

Blueprint Genetics
Classification: Likely benign. Last evaluated: 2024-11-26. Review status: criteria provided, single submitter. Criteria: ACMG Guidelines, 2015. Collection method: clinical testing. Allele origin: germline. Not counted in ClinVar's aggregate classification.

Genome Diagnostics Laboratory, The Hospital for Sick Children
Classification: Benign for Noonan syndrome and Noonan-related syndrome. Last evaluated: 2021-07-08. Review status: criteria provided, single submitter. Criteria: ACMG Guidelines, 2015. Collection method: clinical testing. Allele origin: germline. Not counted in ClinVar's aggregate classification.

Illumina Laboratory Services, Illumina
Classification: Benign for Noonan syndrome 4. Last evaluated: 2018-01-13. Review status: criteria provided, single submitter. Criteria: ICSL Variant Classification Criteria 13 December 2019. Collection method: clinical testing. Allele origin: germline. Not counted in ClinVar's aggregate classification.
Comment: This variant was observed in the ICSL laboratory as part of a predisposition screen in an ostensibly healthy population. It had not been previously curated by ICSL or reported in the Human Gene Mutation Database (HGMD: prior to June 1st, 2018), and was therefore a candidate for classification through an automated scoring system. Utilizing variant allele frequency, disease prevalence and penetrance estimates, and inheritance mode, an automated score was calculated to assess if this variant is too frequent to cause the disease. Based on the score and internal cut-off values, a variant classified as benign is not then subjected to further curation. The score for this variant resulted in a classification of benign for this disease.

Illumina Laboratory Services, Illumina
Classification: Benign for Fibromatosis, gingival, 1. Last evaluated: 2018-01-13. Review status: criteria provided, single submitter. Criteria: ICSL Variant Classification Criteria 13 December 2019. Collection method: clinical testing. Allele origin: germline. Not counted in ClinVar's aggregate classification.
Comment: the same text as in the submission from Illumina Laboratory Services, Illumina above.

Ambry Genetics
Classification: Benign for Cardiovascular phenotype. Last evaluated: 2017-07-27. Review status: criteria provided, single submitter. Criteria: Ambry Variant Classification Scheme 2023. Collection method: clinical testing. Allele origin: germline. Not counted in ClinVar's aggregate classification.

Mayo Clinic Laboratories, Mayo Clinic
Classification: Benign. Last evaluated: 2015-10-08. Review status: criteria provided, single submitter. Criteria: ACMG Guidelines, 2015. Collection method: clinical testing. Allele origin: germline. Observed: 55 variant alleles. Not counted in ClinVar's aggregate classification.

GeneDx
Classification: Benign. Last evaluated: 2015-03-03. Review status: criteria provided, single submitter. Criteria: GeneDx Variant Classification Process June 2021. Collection method: clinical testing. Allele origin: germline. Affected: yes. Not counted in ClinVar's aggregate classification.

Eurofins Ntd Llc (ga)
Classification: Benign. Last evaluated: 2013-03-18. Review status: criteria provided, single submitter. Criteria: EGL Classification Definitions 2015. Collection method: clinical testing. Allele origin: germline. Observed: 1 variant allele, 1 heterozygote. Not counted in ClinVar's aggregate classification.

Laboratory for Molecular Medicine, Mass General Brigham Personalized Medicine
Classification: Benign. Last evaluated: 2007-09-05. Review status: criteria provided, single submitter. Criteria: LMM Criteria. Collection method: clinical testing. Allele origin: germline. Observed: 95 variant alleles. Not counted in ClinVar's aggregate classification.

Breakthrough Genomics
Classification: Benign. Review status: criteria provided, single submitter. Criteria: ACMG Guidelines, 2015. Collection method: not provided. Allele origin: germline. Inheritance: Autosomal dominant inheritance. Affected: yes. Not counted in ClinVar's aggregate classification.

PreventionGenetics, part of Exact Sciences
Classification: Benign. Review status: criteria provided, single submitter. Criteria: ACMG Guidelines, 2015. Collection method: clinical testing. Allele origin: germline. Not counted in ClinVar's aggregate classification.

Greenwood Genetic Center Diagnostic Laboratories, Greenwood Genetic Center
Classification: Benign. Last evaluated: 2015-01-15. Review status: no assertion criteria provided. Collection method: clinical testing. Allele origin: germline. Not counted in ClinVar's aggregate classification.

Baylor Genetics
Classification: Benign for Rasopathy. Review status: no assertion criteria provided. Collection method: clinical testing. Allele origin: unknown. Affected: yes. Not counted in ClinVar's aggregate classification.
Comment: Variant classified using ACMG guidelines

Clinical Genetics, Academic Medical Center
Classification: Benign. Review status: no assertion criteria provided. Collection method: clinical testing. Allele origin: germline. Affected: yes. Study: VKGL Data-share Consensus. Not counted in ClinVar's aggregate classification.

Genome Diagnostics Laboratory, Amsterdam University Medical Center
Classification: Benign. Review status: no assertion criteria provided. Collection method: clinical testing. Allele origin: germline. Affected: yes. Study: VKGL Data-share Consensus. Not counted in ClinVar's aggregate classification.